The following is an entry in ClinVar:

NM_001377.3(DYNC2H1):c.8174del (p.Met2725fs)

Gene: DYNC2H1 (dynein cytoplasmic 2 heavy chain 1; plus strand). Cytogenetic location: 11q22.3.
Variant type: Deletion.
Coding change: c.8174del on transcript NM_001377.3 (MANE Select); coding-DNA position 8174, one base deleted (T; older notation c.8174delT).
Protein change: p.Met2725fs; shifts the reading frame from methionine 2725.
Molecular consequence: frameshift variant.
Genome position (GRCh38, 1-based): chr11:103,200,131, T deleted. VCF-style (leftmost placement, unchanged base first): chr11-103200130-AT-A. GRCh37 (hg19) VCF-style: chr11-103070859-AT-A.
Other names: c.8174del, p.Met2725fs (NM_001080463.2); short protein forms M2725fs.
Identifiers: ClinVar variation 5015662 (VCV005015662.1).

ClinVar aggregate classification (germline): Pathogenic (1 of 4 stars; one submission).

Conditions:
Asphyxiating thoracic dystrophy 3. Also called: SHORT-RIB THORACIC DYSPLASIA 3 WITH OR WITHOUT POLYDACTYLY; POLYDACTYLY WITH NEONATAL CHONDRODYSTROPHY, TYPE I; SHORT-RIB THORACIC DYSPLASIA 3/6 WITH POLYDACTYLY, DIGENIC; Short rib polydactyly syndrome 2B; Saldino-Noonan Syndrome. Identifiers: Orphanet 474, Orphanet 93269, Orphanet 93270, Orphanet 93271, MedGen C0036069, MONDO:0013127, OMIM 613091.

Submission:

Myriad Genetics, Inc.
Classification: Pathogenic for Asphyxiating thoracic dystrophy 3. Last evaluated: 2026-03-10. Review status: criteria provided, single submitter. Criteria: Myriad Autosomal Dominant, Autosomal Recessive and X-Linked Classification Criteria (2023). Collection method: clinical testing. Allele origin: unknown.
Comment: NM_001377.2(DYNC2H1):c.8174delT(M2725Rfs*20) is expected to be pathogenic in the context of DYNC2H1-related disorders. This variant is predicted to lead to an abnormal or absent protein product due to the creation of a premature termination codon in DYNC2H1, a gene where loss-of-function variants are known to be pathogenic. Please note: this variant was assessed in the context of healthy population screening.